The following is an entry in ClinVar:

ClinVar aggregate classification (germline): Pathogenic. Review status: criteria provided, multiple submitters, no conflicts (2 of 4 stars). 3 submissions from 3 submitters: Pathogenic (3). Last evaluated 2024-02-29.

Conditions:
Muscular dystrophy-dystroglycanopathy (congenital with brain and eye anomalies), type A2. Also called: MUSCULAR DYSTROPHY-DYSTROGLYCANOPATHY (CONGENITAL WITH BRAIN AND EYE ANOMALIES), TYPE A, 2; WALKER-WARBURG SYNDROME OR MUSCLE-EYE-BRAIN DISEASE, POMT2-RELATED. Identifiers: Orphanet 588, Orphanet 899, MedGen C3150411, MONDO:0013154, OMIM 613150.
Autosomal recessive limb-girdle muscular dystrophy type 2N. Also called: MUSCULAR DYSTROPHY-DYSTROGLYCANOPATHY, LIMB-GIRDLE, POMT2-RELATED; Muscular dystrophy-dystroglycanopathy (limb-girdle), type C, 2. Identifiers: Orphanet 206559, MedGen C3150418, MONDO:0013162, OMIM 613158.
Muscular dystrophy-dystroglycanopathy (congenital with impaired intellectual development), type B, 2. Also called: Muscular dystrophy-dystroglycanopathy (congenital with intellectual disability), type B2; MUSCULAR DYSTROPHY, CONGENITAL, POMT2-RELATED. Identifiers: MedGen C3150416, MONDO:0013160, OMIM 613156.

Allele frequency attached by ClinVar (database versions not stated): TOPMed 0.00001; gnomAD 0.00001.
gnomAD v4.1: 12 of 1,613,570 alleles (0.00074%); highest among the groups gnomAD compares: Admixed American, 0.0067%; no homozygotes.

Submissions (3):

Labcorp Genetics (formerly Invitae), Labcorp
Classification: Pathogenic for Muscular dystrophy-dystroglycanopathy (congenital with impaired intellectual development), type B, 2; Muscular dystrophy-dystroglycanopathy (congenital with brain and eye anomalies), type A2; Autosomal recessive limb-girdle muscular dystrophy type 2N. Last evaluated: 2024-02-29. Review status: criteria provided, single submitter. Criteria: Invitae Variant Classification Sherloc (09022015). Collection method: clinical testing. Allele origin: germline.
Comment: This sequence change creates a premature translational stop signal (p.Arg413*) in the POMT2 gene. It is expected to result in an absent or disrupted protein product. Loss-of-function variants in POMT2 are known to be pathogenic (PMID: 15894594). This variant is present in population databases (no rsID available, gnomAD 0.009%). This premature translational stop signal has been observed in individual(s) with dystroglycanopathy (PMID: 33200426). ClinVar contains an entry for this variant (Variation ID: 1073316). Algorithms developed to predict the effect of sequence changes on RNA splicing suggest that this variant may disrupt the consensus splice site. For these reasons, this variant has been classified as Pathogenic.

Baylor Genetics
Classification: Pathogenic for Muscular dystrophy-dystroglycanopathy (congenital with brain and eye anomalies), type A2. Last evaluated: 2022-07-28. Review status: criteria provided, single submitter. Criteria: ACMG Guidelines, 2015. Collection method: clinical testing. Allele origin: unknown.

Juno Genomics, Hangzhou Juno Genomics, Inc
Classification: Pathogenic for Muscular dystrophy-dystroglycanopathy (congenital with impaired intellectual development), type B, 2; Muscular dystrophy-dystroglycanopathy (congenital with brain and eye anomalies), type A2; Autosomal recessive limb-girdle muscular dystrophy type 2N. Review status: criteria provided, single submitter. Criteria: ACMG Guidelines, 2015. Collection method: clinical testing. Allele origin: germline.
Comment: Null variant in a gene where loss of function (LOF) is a known mechanism of disease.;Absent from controls (or at extremely low frequency if recessive) in Genome Aggregation Database.;Patient's phenotype or family history is highly specific for a disease with a single genetic etiology.

Literature cited by the submitters: PubMed 15894594 (cited by Labcorp Genetics (formerly Invitae), Labcorp); PubMed 33200426 (cited by Labcorp Genetics (formerly Invitae), Labcorp).

NM_013382.7(POMT2):c.1237C>T (p.Arg413Ter)

Gene: POMT2 (protein O-mannosyltransferase 2; minus strand). Cytogenetic location: 14q24.3.
Variant type: single nucleotide variant.
Coding change: c.1237C>T on transcript NM_013382.7 (MANE Select); coding-DNA position 1237, C replaced by T.
Protein change: p.Arg413Ter; replaces arginine 413 with a stop codon.
Molecular consequence: nonsense.
Genome position (GRCh38, 1-based): chr14:77,288,778, G>A on the plus strand (C>T on the coding strand, the complement: POMT2 is on the minus strand). VCF-style: chr14-77288778-G-A. GRCh37 (hg19) VCF-style: chr14-77755121-G-A.
Other names: short protein forms R413*.
Identifiers: ClinVar variation 1073316 (VCV001073316.10), dbSNP rs773017813, ClinGen allele CA390518244.